The following is an entry in ClinVar:

ClinVar aggregate classification (germline): Uncertain significance. Review status: criteria provided, multiple submitters, no conflicts (2 of 4 stars). 2 submissions from 2 submitters: Uncertain significance (2). Last evaluated 2025-12-13.

Conditions:
Early Myoclonic Encephalopathy. Identifiers: MedGen C0270855.

Allele frequency attached by ClinVar (database versions not stated): gnomAD exomes below 0.00001; TOPMed 0.00001.
gnomAD v4.1: 6 of 1,613,960 alleles (0.00037%); highest among the groups gnomAD compares: Admixed American, 0.0083%; no homozygotes.

Submissions (2):

Labcorp Genetics (formerly Invitae), Labcorp
Classification: Uncertain significance for Early Myoclonic Encephalopathy. Last evaluated: 2025-12-13. Review status: criteria provided, single submitter. Criteria: Invitae Variant Classification Sherloc (09022015). Collection method: clinical testing. Allele origin: germline.
Comment: This sequence change replaces aspartic acid, which is acidic and polar, with glutamic acid, which is acidic and polar, at codon 1031 of the JMJD1C protein (p.Asp1031Glu). This variant is present in population databases (no rsID available, gnomAD 0.003%). This variant has not been reported in the literature in individuals affected with JMJD1C-related conditions. ClinVar contains an entry for this variant (Variation ID: 529702). Invitae Evidence Modeling of protein sequence and biophysical properties (such as structural, functional, and spatial information, amino acid conservation, physicochemical variation, residue mobility, and thermodynamic stability) indicates that this missense variant is not expected to disrupt JMJD1C protein function with a negative predictive value of 80%. In summary, the available evidence is currently insufficient to determine the role of this variant in disease. Therefore, it has been classified as a Variant of Uncertain Significance.

Ambry Genetics
Classification: Uncertain significance. Last evaluated: 2024-09-04. Review status: criteria provided, single submitter. Criteria: Ambry Variant Classification Scheme 2023. Collection method: clinical testing. Allele origin: germline.

NM_032776.3(JMJD1C):c.3093T>G (p.Asp1031Glu)

Gene: JMJD1C (jumonji domain containing 1C; minus strand). Cytogenetic location: 10q21.3.
Variant type: single nucleotide variant.
Coding change: c.3093T>G on transcript NM_032776.3 (MANE Select); coding-DNA position 3093, T replaced by G.
Protein change: p.Asp1031Glu; replaces aspartic acid 1031 with glutamic acid.
Molecular consequence: missense variant. On other transcripts: non-coding transcript variant (1).
Genome position (GRCh38, 1-based): chr10:63,208,576, A>C on the plus strand (T>G on the coding strand, the complement: JMJD1C is on the minus strand). VCF-style: chr10-63208576-A-C. GRCh37 (hg19) VCF-style: chr10-64968336-A-C.
Other names: c.2547T>G, p.Asp849Glu (NM_001282948.2, NM_001318154.2); c.2229T>G, p.Asp743Glu (NM_001318153.2); c.2979T>G, p.Asp993Glu (NM_001322252.2); c.2436T>G, p.Asp812Glu (NM_001322254.2, NM_001322258.2); c.3093T>G (NM_032776.1); short protein forms D1031E, D743E, D849E, D812E, D993E.
Identifiers: ClinVar variation 529702 (VCV000529702.9), dbSNP rs1397945403, ClinGen allele CA377042854.
Genomic context (GRCh38, chr10:63,208,576, plus strand): 5'-TCTGGAATAATTCTCTCTCTCACCCTCAAGTCCCTTGATTTTAGTTGTAAAGGGAGCAAC[A>C]TCAATACTTTCTTGAAGAATTCGACGGTGTTCCTCTTTGTATTTGTTTAACCTCTCTCCA-3'
Protein context (NP_116165.1, residues 1021-1041): EHRRILQESI[Asp1031Glu]VAPFTTKIKG